The following is an entry in ClinVar:

ClinVar aggregate classification (germline): Uncertain significance (1 of 4 stars; one submission).

Conditions:
MEGF8-related Carpenter syndrome. Also called: Carpenter syndrome 2. Identifiers: Orphanet 65759, MedGen C3554247, MONDO:0013998, OMIM 614976.

gnomAD v4.1: 36 of 1,611,748 alleles (0.0022%); highest among the groups gnomAD compares: Middle Eastern, 0.016%; no homozygotes.

Submission:

Labcorp Genetics (formerly Invitae), Labcorp
Classification: Uncertain significance for MEGF8-related Carpenter syndrome. Last evaluated: 2024-11-12. Review status: criteria provided, single submitter. Criteria: Invitae Variant Classification Sherloc (09022015). Collection method: clinical testing. Allele origin: germline.
Comment: This sequence change replaces arginine, which is basic and polar, with cysteine, which is neutral and slightly polar, at codon 1785 of the MEGF8 protein (p.Arg1785Cys). This variant is present in population databases (rs751715083, gnomAD 0.003%). This missense change has been observed in individual(s) with autism (PMID: 35982159, 35982160). This variant is also known as 42360840C>T and 42864992C>T. An algorithm developed to predict the effect of missense changes on protein structure and function (PolyPhen-2) suggests that this variant¬†is likely to be tolerated. In summary, the available evidence is currently insufficient to determine the role of this variant in disease. Therefore, it has been classified as a Variant of Uncertain Significance.

Literature cited by the submitters: PubMed 35982159; PubMed 35982160.

NM_001271938.2(MEGF8):c.5554C>T (p.Arg1852Cys)

Gene: MEGF8 (multiple EGF like domains 8; plus strand). Cytogenetic location: 19q13.2.
Variant type: single nucleotide variant.
Coding change: c.5554C>T on transcript NM_001271938.2 (MANE Select); coding-DNA position 5554, C replaced by T.
Protein change: p.Arg1852Cys; replaces arginine 1852 with cysteine.
Molecular consequence: missense variant.
Genome position (GRCh38, 1-based): chr19:42,360,840, C>T. VCF-style: chr19-42360840-C-T. GRCh37 (hg19) VCF-style: chr19-42864992-C-T.
Other names: c.5353C>T, p.Arg1785Cys (NM_001410.3); short protein forms R1852C, R1785C.
Identifiers: ClinVar variation 3704985 (VCV003704985.1).
Genomic context (GRCh38, chr19:42,360,840, plus strand): 5'-GCCTCTGTGGGGCCCCCAATGGAGGAGTCTGTGGCCCATGCTGTGGCAGCAGTCGGGAGC[C>T]GCCTGTATATCTCTGGGGGTTTCGGGGGAGTGGCCCTGGGCCGCCTGCTGGCACTGACCC-3'
Protein context (NP_001258867.1, residues 1842-1862): VAHAVAAVGS[Arg1852Cys]LYISGGFGGV